The following is an entry in ClinVar:

NM_020964.3(EPG5):c.4521G>C (p.Gln1507His)

Gene: EPG5 (ectopic P-granules 5 autophagy tethering factor; minus strand). Cytogenetic location: 18q21.1.
Variant type: single nucleotide variant.
Coding change: c.4521G>C on transcript NM_020964.3 (MANE Select); coding-DNA position 4521, G replaced by C.
Protein change: p.Gln1507His; replaces glutamine 1507 with histidine.
Molecular consequence: missense variant.
Genome position (GRCh38, 1-based): chr18:45,901,121, C>G on the plus strand (G>C on the coding strand, the complement: EPG5 is on the minus strand). VCF-style: chr18-45901121-C-G. GRCh37 (hg19) VCF-style: chr18-43481086-C-G.
Other names: short protein forms Q1507H.
Identifiers: ClinVar variation 1364725 (VCV001364725.6), dbSNP rs758611855, ClinGen allele CA8948832.

ClinVar aggregate classification (germline): Uncertain significance (1 of 4 stars; one submission).

Conditions:
Vici syndrome (VICIS). Identifiers: Orphanet 1493, MedGen C1855772, MONDO:0009452, OMIM 242840.

Allele frequency attached by ClinVar (database versions not stated): TOPMed below 0.00001; ExAC 0.00002; gnomAD 0.00002; gnomAD exomes 0.00002 and 0.00003.
gnomAD v4.1: 46 of 1,614,034 alleles (0.0029%); highest among the groups gnomAD compares: Non-Finnish European, 0.0039%; no homozygotes.

Submission:

Labcorp Genetics (formerly Invitae), Labcorp
Classification: Uncertain significance for Vici syndrome. Last evaluated: 2022-08-20. Review status: criteria provided, single submitter. Criteria: Invitae Variant Classification Sherloc (09022015). Collection method: clinical testing. Allele origin: germline.
Comment: This sequence change replaces glutamine, which is neutral and polar, with histidine, which is basic and polar, at codon 1507 of the EPG5 protein (p.Gln1507His). This variant is present in population databases (rs758611855, gnomAD 0.006%). This variant has not been reported in the literature in individuals affected with EPG5-related conditions. ClinVar contains an entry for this variant (Variation ID: 1364725). Algorithms developed to predict the effect of missense changes on protein structure and function output the following: SIFT: "Tolerated"; PolyPhen-2: "Benign"; Align-GVGD: "Class C0". The histidine amino acid residue is found in multiple mammalian species, which suggests that this missense change does not adversely affect protein function. In summary, the available evidence is currently insufficient to determine the role of this variant in disease. Therefore, it has been classified as a Variant of Uncertain Significance.